The following is an entry in ClinVar:

ClinVar aggregate classification (germline): Conflicting classifications of pathogenicity. Review status: criteria provided, conflicting classifications (1 of 4 stars). 2 submissions from 2 submitters: Uncertain significance (1); Likely benign (1). Last evaluated 2022-07-11.

Conditions:
DYNC1H1-related neurodevelopmental disorders.
Charcot-Marie-Tooth disease axonal type 2O. Also called: CHARCOT-MARIE-TOOTH NEUROPATHY, AXONAL, TYPE 2O; CHARCOT-MARIE-TOOTH DISEASE, AXONAL, AUTOSOMAL DOMINANT, TYPE 2O; Charcot-Marie-Tooth disease, axonal, type 20; Charcot-Marie-Tooth Neuropathy Type 2O. Identifiers: Orphanet 284232, MedGen C3280220, MONDO:0013644, OMIM 614228.

Allele frequency attached by ClinVar (database versions not stated): gnomAD exomes below 0.00001.
gnomAD v4.1: 2 of 1,614,218 alleles (0.00012%); highest among the groups gnomAD compares: Admixed American, 0.0017%; no homozygotes.

Submissions (2):

Labcorp Genetics (formerly Invitae), Labcorp
Classification: Likely benign for Charcot-Marie-Tooth disease axonal type 2O. Last evaluated: 2022-07-11. Review status: criteria provided, single submitter. Criteria: Invitae Variant Classification Sherloc (09022015). Collection method: clinical testing. Allele origin: germline.

Illumina Laboratory Services, Illumina
Classification: Uncertain significance for DYNC1H1-related neurodevelopmental disorders. Last evaluated: 2020-05-08. Review status: criteria provided, single submitter. Criteria: ICSLVariantClassificationCriteria RUGD 01 April 2020. Collection method: clinical testing. Allele origin: unknown.
Comment: The DYNC1H1 c.3146A>G (p.Gln1049Arg) variant is a missense variant. A literature search was performed for the gene, cDNA change, and amino acid change. No publications were found based on this search. The p.Gln1049Arg variant is reported at a frequency of 0.000029 in the Latino population of the Genome Aggregation Database though this is based on one allele in a region of good sequence coverage, so the variant is presumed to be rare. Based on the limited evidence, the p.Gln1049Arg variant is classified as a variant of uncertain significance for DYNC1H1-related neurodevelopmental disorders.

NM_001376.5(DYNC1H1):c.3146A>G (p.Gln1049Arg)

Gene: DYNC1H1 (dynein cytoplasmic 1 heavy chain 1; plus strand). Cytogenetic location: 14q32.31.
Variant type: single nucleotide variant.
Coding change: c.3146A>G on transcript NM_001376.5 (MANE Select); coding-DNA position 3146, A replaced by G.
Protein change: p.Gln1049Arg; replaces glutamine 1049 with arginine.
Molecular consequence: missense variant.
Genome position (GRCh38, 1-based): chr14:101,994,314, A>G. VCF-style: chr14-101994314-A-G. GRCh37 (hg19) VCF-style: chr14-102460651-A-G.
Other names: short protein forms Q1049R.
Identifiers: ClinVar variation 989318 (VCV000989318.9), dbSNP rs1412540989, ClinGen allele CA391032573.